The following is an entry in ClinVar:

ClinVar aggregate classification (germline): Benign. Review status: criteria provided, single submitter (1 of 4 stars). 2 submissions from 1 submitter: Benign (2). Last evaluated 2018-01-12.

Conditions:
Charcot-Marie-Tooth disease axonal type 2L. Also called: Charcot-Marie-Tooth Neuropathy Type 2L; CHARCOT-MARIE-TOOTH DISEASE, AXONAL, AUTOSOMAL DOMINANT, TYPE 2L; CHARCOT-MARIE-TOOTH NEUROPATHY, AXONAL, TYPE 2L. Identifiers: Orphanet 99945, MedGen C1837552, MONDO:0012096, OMIM 608673.
Neuronopathy, distal hereditary motor, type 2A. Also called: CHARCOT-MARIE-TOOTH DISEASE, SPINAL, IIA; NEURONOPATHY, DISTAL HEREDITARY MOTOR, AUTOSOMAL DOMINANT 2; NEURONOPATHY, DISTAL HEREDITARY MOTOR, HARDING TYPE IIA; NEUROPATHY, DISTAL HEREDITARY MOTOR, HARDING TYPE IIA; SPINAL MUSCULAR ATROPHY, DISTAL, ADULT, AUTOSOMAL DOMINANT, HARDING TYPE IIA; HMN IIA. Identifiers: Orphanet 139525, MedGen C1834692, MONDO:0008025, OMIM 158590.

Allele frequency attached by ClinVar (database versions not stated): gnomAD exomes 0.00456; gnomAD 0.03707; TOPMed 0.04465; 1000 Genomes Project 0.04473; 1000 Genomes Project 30x 0.04825.
gnomAD v4.1: 6,523 of 273,304 alleles (2.4%); highest among the groups gnomAD compares: African/African-American, 14%; 481 homozygotes.

Submissions (2):

Illumina Laboratory Services, Illumina
Classification: Benign for Charcot-Marie-Tooth disease axonal type 2L. Last evaluated: 2018-01-12. Review status: criteria provided, single submitter. Criteria: ICSL Variant Classification Criteria 13 December 2019. Collection method: clinical testing. Allele origin: germline.
Comment: This variant was observed in the ICSL laboratory as part of a predisposition screen in an ostensibly healthy population. It had not been previously curated by ICSL or reported in the Human Gene Mutation Database (HGMD: prior to June 1st, 2018), and was therefore a candidate for classification through an automated scoring system. Utilizing variant allele frequency, disease prevalence and penetrance estimates, and inheritance mode, an automated score was calculated to assess if this variant is too frequent to cause the disease. Based on the score and internal cut-off values, a variant classified as benign is not then subjected to further curation. The score for this variant resulted in a classification of benign for this disease.

Illumina Laboratory Services, Illumina
Classification: Benign for Neuronopathy, distal hereditary motor, type 2A. Last evaluated: 2018-01-12. Review status: criteria provided, single submitter. Criteria: ICSL Variant Classification Criteria 13 December 2019. Collection method: clinical testing. Allele origin: germline.
Comment: the same text as in the submission from Illumina Laboratory Services, Illumina above.

NM_014365.3(HSPB8):c.*440C>G

Gene: HSPB8 (heat shock protein family B (small) member 8; plus strand). Cytogenetic location: 12q24.23.
Variant type: single nucleotide variant.
Coding change: c.*440C>G on transcript NM_014365.3 (MANE Select); 440 bases downstream of the stop codon, C replaced by G.
Molecular consequence: 3 prime UTR variant.
Genome position (GRCh38, 1-based): chr12:119,194,298, C>G. VCF-style: chr12-119194298-C-G. GRCh37 (hg19) VCF-style: chr12-119632103-C-G.
Identifiers: ClinVar variation 307421 (VCV000307421.5), dbSNP rs13378054, ClinGen allele CA10641147.